The following is an entry in ClinVar:

ClinVar aggregate classification (germline): Pathogenic (1 of 4 stars; one submission).

Conditions:
Hereditary factor VIII deficiency disease (HEMA). Also called: HEMOPHILIA, CLASSIC; AUTOSOMAL HEMOPHILIA A; Hemophilia A; Hemophilia A, congenital; HEM A; Factor 8 deficiency, congenital. Identifiers: Orphanet 98878, MedGen C0019069, MONDO:0010602, OMIM 306700.

Submission:

Women's Health and Genetics/Laboratory Corporation of America, LabCorp
Classification: Pathogenic for Hereditary factor VIII deficiency disease. Last evaluated: 2024-12-30. Review status: criteria provided, single submitter. Criteria: LabCorp Variant Classification Summary - May 2015. Collection method: clinical testing. Allele origin: germline.
Comment: Variant summary: The variant involves the deletion of exon 26 in the F8 gene. The exact breakpoint at the distal 3' end of this variant is unknown, therefore this deletion may extend downstream of the annotated region of the gene. As it encompasses the termination codon, it is predicted to escape nonsense mediated decay (NMD). A presumed nomenclature of c.(6900+1_6901-1)_(*1806_?)del has been designated for the purposes of this classification. The variant was absent in 16120 control chromosomes (gnomAD). c.(6900+1_6901-1)_(*1806_?)del has been reported in the literature in multiple individuals affected with Factor VIII Deficiency (Hemophilia A; e.g. Tuddenham_1994, Villarreal-Martinez_2020). These data indicate that the variant is very likely to be associated with disease. The following publications have been ascertained in the context of this evaluation (PMID: 32224444, 7984443). No submitters have cited clinical-significance assessments for this variant to ClinVar. Based on the evidence outlined above, the variant was classified as pathogenic.

Literature cited by the submitters: PubMed 32224444; PubMed 7984443.

NC_000023.10:g.(?_154064066)_(154066028_154088706)del

Gene: F8 (coagulation factor VIII; minus strand). Cytogenetic location: Xq28.
Variant type: Deletion.
Identifiers: ClinVar variation 3768519 (VCV003768519.1).